The following is an entry in ClinVar:

NM_000548.5(TSC2):c.3592del (p.Leu1198fs)

Gene: TSC2 (TSC complex subunit 2; plus strand). Cytogenetic location: 16p13.3.
Variant type: Deletion.
Coding change: c.3592del on transcript NM_000548.5 (MANE Select); coding-DNA position 3592, one base deleted (C; older notation c.3592delC).
Protein change: p.Leu1198fs; shifts the reading frame from leucine 1198.
Molecular consequence: frameshift variant.
Genome position (GRCh38, 1-based): chr16:2,080,359, C deleted; the last of 2 consecutive C bases (chr16:2,080,358-2,080,359); deleting either gives the same sequence. VCF-style (leftmost placement, unchanged base first): chr16-2080357-TC-T. GRCh37 (hg19) VCF-style: chr16-2130358-TC-T.
Other names: c.3460del, p.Leu1154fs (NM_001077183.3, NM_001370404.1); c.3592del, p.Leu1198fs (NM_001114382.3); c.3352del, p.Leu1118fs (NM_001318827.2); c.3316del, p.Leu1106fs (NM_001318829.2); c.2860del, p.Leu954fs (NM_001318831.2); c.3493del, p.Leu1165fs (NM_001318832.2); c.3463del, p.Leu1155fs (NM_001363528.2, NM_001370405.1, NM_021055.3); c.3589delC, p.Leu1197Trpfs (NM_001406663.1, NM_001406664.1); and 20 more; short protein forms L1106fs, L1155fs, L1154fs, L1165fs, L954fs, L1118fs, L1198fs.
Identifiers: ClinVar variation 2087715 (VCV002087715.18), dbSNP rs2544105995, ClinGen allele CA2580091001.

ClinVar aggregate classification (germline): Pathogenic. Review status: criteria provided, multiple submitters, no conflicts (2 of 4 stars). 2 submissions from 2 submitters: Pathogenic (2). Last evaluated 2024-09-01.

Conditions:
Tuberous sclerosis 2 (TSC2). Identifiers: Orphanet 805, MedGen C1860707, MONDO:0013199, OMIM 613254.

Submissions (2):

CeGaT Center for Human Genetics Tuebingen
Classification: Pathogenic. Last evaluated: 2024-09-01. Review status: criteria provided, single submitter. Criteria: CeGaT Center For Human Genetics Tuebingen Variant Classification Criteria Version 2. Collection method: clinical testing. Allele origin: germline. Affected: yes. Observed: 1 variant allele.
Comment: TSC2: PVS1, PM2

Labcorp Genetics (formerly Invitae), Labcorp
Classification: Pathogenic for Tuberous sclerosis 2. Last evaluated: 2022-01-18. Review status: criteria provided, single submitter. Criteria: Invitae Variant Classification Sherloc (09022015). Collection method: clinical testing. Allele origin: germline.
Comment: For these reasons, this variant has been classified as Pathogenic. This variant has not been reported in the literature in individuals affected with TSC2-related conditions. This sequence change creates a premature translational stop signal (p.Leu1198Trpfs*12) in the TSC2 gene. It is expected to result in an absent or disrupted protein product. Loss-of-function variants in TSC2 are known to be pathogenic (PMID: 10205261, 17304050). This variant is not present in population databases (gnomAD no frequency).

Literature cited by the submitters: PubMed 10205261 (cited by Labcorp Genetics (formerly Invitae), Labcorp); PubMed 17304050 (cited by Labcorp Genetics (formerly Invitae), Labcorp).